The following is an entry in ClinVar:

ClinVar aggregate classification (germline): Benign. Review status: criteria provided, single submitter (1 of 4 stars). 2 submissions from 2 submitters: Benign (1). 1 of the submissions does not count toward it. Last evaluated 2025-05-19.

Conditions:
Kabuki syndrome. Also called: Kabuki make-up syndrome; NIIKAWA-KUROKI SYNDROME. Identifiers: Orphanet 2322, MedGen C0796004, MONDO:0016512.
KMT2D-related disorder. Also called: KMT2D-Related Disorders.

Allele frequency attached by ClinVar (database versions not stated): TOPMed below 0.00001; gnomAD exomes 0.00001; ExAC 0.00003; gnomAD 0.00003; 1000 Genomes Project 30x 0.00016; 1000 Genomes Project 0.00020.
gnomAD v4.1: 10 of 1,614,018 alleles (0.00062%); highest among the groups gnomAD compares: East Asian, 0.0089%; no homozygotes.

Submissions (2):

Labcorp Genetics (formerly Invitae), Labcorp
Classification: Benign for Kabuki syndrome. Last evaluated: 2025-05-19. Review status: criteria provided, single submitter. Criteria: Invitae Variant Classification Sherloc (09022015). Collection method: clinical testing. Allele origin: germline.

PreventionGenetics, part of Exact Sciences
Classification: Likely benign for KMT2D-related condition. Last evaluated: 2023-07-31. Review status: no assertion criteria provided. Collection method: clinical testing. Allele origin: germline. Not counted in ClinVar's aggregate classification.
Comment: This variant is classified as likely benign based on ACMG/AMP sequence variant interpretation guidelines (Richards et al. 2015 PMID: 25741868, with internal and published modifications).

NM_003482.4(KMT2D):c.10278G>A (p.Lys3426=)

Gene: KMT2D (lysine methyltransferase 2D; minus strand). Cytogenetic location: 12q13.12.
Variant type: single nucleotide variant.
Coding change: c.10278G>A on transcript NM_003482.4 (MANE Select); coding-DNA position 10278, G replaced by A.
Protein change: p.Lys3426=; no amino-acid change (lysine 3426 retained).
Molecular consequence: synonymous variant.
Genome position (GRCh38, 1-based): chr12:49,034,889, C>T on the plus strand (G>A on the coding strand, the complement: KMT2D is on the minus strand). VCF-style: chr12-49034889-C-T. GRCh37 (hg19) VCF-style: chr12-49428672-C-T.
Identifiers: ClinVar variation 2145995 (VCV002145995.6), dbSNP rs550599748, ClinGen allele CA6546557.